The following is an entry in ClinVar:

NM_001277115.2(DNAH11):c.8513G>A (p.Cys2838Tyr)

Gene: DNAH11 (dynein axonemal heavy chain 11; plus strand). Cytogenetic location: 7p15.3.
Variant type: single nucleotide variant.
Coding change: c.8513G>A on transcript NM_001277115.2 (MANE Select); coding-DNA position 8513, G replaced by A.
Protein change: p.Cys2838Tyr; replaces cysteine 2838 with tyrosine.
Molecular consequence: missense variant.
Genome position (GRCh38, 1-based): chr7:21,748,582, G>A. VCF-style: chr7-21748582-G-A. GRCh37 (hg19) VCF-style: chr7-21788200-G-A.
Other names: short protein forms C2838Y.
Identifiers: ClinVar variation 4825636 (VCV004825636.1).

ClinVar aggregate classification (germline): Uncertain significance (1 of 4 stars; one submission).

Conditions:
Primary ciliary dyskinesia. Also called: Ciliary dyskinesia. Identifiers: Orphanet 244, MedGen C0008780, MONDO:0016575, HP:0012265.

gnomAD v4.1: 4 of 1,529,484 alleles (0.00026%); highest among the groups gnomAD compares: Non-Finnish European, 0.00035%; no homozygotes.

Submission:

Ambry Genetics
Classification: Uncertain significance for Primary ciliary dyskinesia. Last evaluated: 2026-01-25. Review status: criteria provided, single submitter. Criteria: Ambry Variant Classification Scheme 2023. Collection method: clinical testing. Allele origin: germline.
Comment: The p.C2838Y variant (also known as c.8513G>A), located in coding exon 52 of the DNAH11 gene, results from a G to A substitution at nucleotide position 8513. The cysteine at codon 2838 is replaced by tyrosine, an amino acid with highly dissimilar properties. This amino acid position is conserved. In addition, the in silico prediction for this alteration is inconclusive. Based on the available evidence, the clinical significance of this variant remains unclear.